The following is an entry in ClinVar:

NM_001351169.2(NT5C2):c.1090C>G (p.Gln364Glu)

Gene: NT5C2 (5'-nucleotidase, cytosolic II; minus strand). Cytogenetic location: 10q24.32.
Variant type: single nucleotide variant.
Coding change: c.1090C>G on transcript NM_001351169.2 (MANE Select); coding-DNA position 1090, C replaced by G.
Protein change: p.Gln364Glu; replaces glutamine 364 with glutamic acid.
Molecular consequence: missense variant.
Genome position (GRCh38, 1-based): chr10:103,093,208, G>C on the plus strand (C>G on the coding strand, the complement: NT5C2 is on the minus strand). VCF-style: chr10-103093208-G-C. GRCh37 (hg19) VCF-style: chr10-104852965-G-C.
Other names: c.1090C>G, p.Gln364Glu (NM_001134373.3, NM_012229.5); c.1114C>G, p.Gln372Glu (NM_001351170.2, NM_001351171.2, NM_001351172.2 and 1 more transcripts); c.1003C>G, p.Gln335Glu (NM_001351174.1); c.997C>G, p.Gln333Glu (NM_001351175.2); c.517C>G, p.Gln173Glu (NM_001351176.2, NM_001351177.2, NM_001351178.2 and 16 more transcripts); c.376C>G, p.Gln126Glu (NM_001351194.2, NM_001351195.2, NM_001351196.2); short protein forms Q173E, Q333E, Q364E, Q372E, Q126E, Q335E.
Identifiers: ClinVar variation 657035 (VCV000657035.6), dbSNP rs1590658486, ClinGen allele CA377970929.

ClinVar aggregate classification (germline): Uncertain significance (1 of 4 stars; one submission).

Conditions:
Hereditary spastic paraplegia 45. Also called: SPASTIC PARAPLEGIA 45; Spastic paraplegia 45, autosomal recessive. Identifiers: Orphanet 320396, MedGen C3888209, MONDO:0013165, OMIM 613162.

Submission:

Labcorp Genetics (formerly Invitae), Labcorp
Classification: Uncertain significance for Hereditary spastic paraplegia 45. Last evaluated: 2022-06-20. Review status: criteria provided, single submitter. Criteria: Invitae Variant Classification Sherloc (09022015). Collection method: clinical testing. Allele origin: germline.
Comment: This sequence change replaces glutamine, which is neutral and polar, with glutamic acid, which is acidic and polar, at codon 364 of the NT5C2 protein (p.Gln364Glu). This variant is not present in population databases (gnomAD no frequency). This variant has not been reported in the literature in individuals affected with NT5C2-related conditions. ClinVar contains an entry for this variant (Variation ID: 657035). Algorithms developed to predict the effect of missense changes on protein structure and function (SIFT, PolyPhen-2, Align-GVGD) all suggest that this variant is likely to be tolerated. In summary, the available evidence is currently insufficient to determine the role of this variant in disease. Therefore, it has been classified as a Variant of Uncertain Significance.